The following is an entry in ClinVar:

NM_001303.4(COX10):c.696-11del

Genes: COX10 (cytochrome c oxidase assembly factor heme A:farnesyltransferase COX10; plus strand), LOC105943586 (distal CMT1A-REP; plus strand). Cytogenetic location: 17p12.
Variant type: Deletion.
Coding change: c.696-11del on transcript NM_001303.4 (MANE Select); 11 bases into the intron before coding-DNA position 696, one base deleted (T; older notation c.696-11delT).
Molecular consequence: intron variant.
Genome position (GRCh38, 1-based): chr17:14,191,978, T deleted. VCF-style (leftmost placement, unchanged base first): chr17-14191977-CT-C. GRCh37 (hg19) VCF-style: chr17-14095294-CT-C.
Other names: NC_000017.10:g.14095295del; c.696-11delT (NM_001303.4).
Identifiers: ClinVar variation 1236819 (VCV001236819.5), dbSNP rs367774520, ClinGen allele CA288070171.

ClinVar aggregate classification (germline): Benign/Likely benign. Review status: criteria provided, multiple submitters, no conflicts (2 of 4 stars). 2 submissions from 2 submitters: Benign (1); Likely benign (1). Last evaluated 2025-09-04.

Submissions (4):

Women's Health and Genetics/Laboratory Corporation of America, LabCorp
Classification: Likely benign. Last evaluated: 2025-09-04. Review status: criteria provided, single submitter. Criteria: LabCorp Variant Classification Summary - May 2015. Collection method: clinical testing. Allele origin: germline.
Comment: Variant summary: COX10 c.696-11delT alters a nucleotide located at a position not widely known to affect splicing. Consensus agreement among computation tools predict no significant impact on normal splicing. However, these predictions have yet to be confirmed by functional studies. The frequency data for this variant in gnomAD is considered unreliable, as metrics indicate poor data quality at this position. To our knowledge, no occurrence of c.696-11delT in individuals affected with COX10-related conditions and no experimental evidence demonstrating its impact on protein function have been reported. ClinVar contains an entry for this variant (Variation ID: 1236819). Based on the evidence outlined above, the variant was classified as likely benign.

GeneDx
Classification: Benign. Last evaluated: 2015-03-03. Review status: criteria provided, single submitter. Criteria: GeneDx Variant Classification Process June 2021. Collection method: clinical testing. Allele origin: germline. Affected: yes.

Dr. Peter K. Rogan Lab, Western University
No classification provided (evidence only). Condition: Familial cancer of breast. Review status: no classification provided. Collection method: in vitro. Allele origin: not applicable. Functional consequence: skipped exon. Not counted in ClinVar's aggregate classification.

Dr. Peter K. Rogan Lab, Western University
No classification provided (evidence only). Condition: Thyroid cancer, nonmedullary, 1. Review status: no classification provided. Collection method: in vitro. Allele origin: not applicable. Functional consequence: retained intron. Not counted in ClinVar's aggregate classification.